The following is an entry in ClinVar:

ClinVar aggregate classification (germline): Uncertain significance. Review status: criteria provided, multiple submitters, no conflicts (2 of 4 stars). 2 submissions from 2 submitters: Uncertain significance (2). Last evaluated 2024-08-27.

Conditions:
Hereditary cancer-predisposing syndrome. Also called: Tumor predisposition; Neoplastic Syndromes, Hereditary; Hereditary Cancer Syndrome; Hereditary neoplastic syndrome. Identifiers: Orphanet 140162, MedGen C0027672, MeSH D009386, MONDO:0015356.
Tuberous sclerosis 2 (TSC2). Identifiers: Orphanet 805, MedGen C1860707, MONDO:0013199, OMIM 613254.

Submissions (2):

Labcorp Genetics (formerly Invitae), Labcorp
Classification: Uncertain significance for Tuberous sclerosis 2. Last evaluated: 2024-08-27. Review status: criteria provided, single submitter. Criteria: Invitae Variant Classification Sherloc (09022015). Collection method: clinical testing. Allele origin: germline.
Comment: This sequence change falls in intron 15 of the TSC2 gene. It does not directly change the encoded amino acid sequence of the TSC2 protein. It affects a nucleotide within the consensus splice site. This variant is not present in population databases (gnomAD no frequency). This variant has not been reported in the literature in individuals affected with TSC2-related conditions. ClinVar contains an entry for this variant (Variation ID: 1776049). Variants that disrupt the consensus splice site are a relatively common cause of aberrant splicing (PMID: 17576681, 9536098). Algorithms developed to predict the effect of sequence changes on RNA splicing suggest that this variant is not likely to affect RNA splicing. In summary, the available evidence is currently insufficient to determine the role of this variant in disease. Therefore, it has been classified as a Variant of Uncertain Significance.

Ambry Genetics
Classification: Uncertain significance for Hereditary cancer-predisposing syndrome. Last evaluated: 2021-09-13. Review status: criteria provided, single submitter. Criteria: Ambry Variant Classification Scheme 2023. Collection method: clinical testing. Allele origin: germline.
Comment: The c.1599+3G>A intronic variant results from a G to A substitution 3 nucleotides after coding exon 14 in the TSC2 gene. This nucleotide position is well conserved in available vertebrate species. In silico splice site analysis predicts that this alteration will not have any significant effect on splicing. Since supporting evidence is limited at this time, the clinical significance of this alteration remains unclear.

Literature cited by the submitters: PubMed 17576681 (cited by Labcorp Genetics (formerly Invitae), Labcorp); PubMed 9536098 (cited by Labcorp Genetics (formerly Invitae), Labcorp).

NM_000548.5(TSC2):c.1599+3G>A

Gene: TSC2 (TSC complex subunit 2; plus strand). Cytogenetic location: 16p13.3.
Variant type: single nucleotide variant.
Coding change: c.1599+3G>A on transcript NM_000548.5 (MANE Select); 3 bases into the intron after coding-DNA position 1599, G replaced by A.
Molecular consequence: intron variant.
Genome position (GRCh38, 1-based): chr16:2,064,430, G>A. VCF-style: chr16-2064430-G-A. GRCh37 (hg19) VCF-style: chr16-2114431-G-A.
Other names: c.1599+3G>A (NM_001114382.3, NM_021055.3, NM_001370405.1 and 3 more transcripts); c.1488+3G>A (NM_001318827.2); c.999+3G>A (NM_001318831.2); c.1452+3G>A (NM_001318829.2); c.1632+3G>A (NM_001318832.2).
Identifiers: ClinVar variation 1776049 (VCV001776049.4), dbSNP rs2548573185, ClinGen allele CA2580090504.